The following is an entry in ClinVar:

NM_001754.5(RUNX1):c.728C>T (p.Pro243Leu)

Gene: RUNX1 (RUNX family transcription factor 1; minus strand). Cytogenetic location: 21q22.12.
Variant type: single nucleotide variant.
Coding change: c.728C>T on transcript NM_001754.5 (MANE Select); coding-DNA position 728, C replaced by T.
Protein change: p.Pro243Leu; replaces proline 243 with leucine.
Molecular consequence: missense variant.
Genome position (GRCh38, 1-based): chr21:34,834,487, G>A on the plus strand (C>T on the coding strand, the complement: RUNX1 is on the minus strand). VCF-style: chr21-34834487-G-A. GRCh37 (hg19) VCF-style: chr21-36206784-G-A.
Other names: NM_001754.5(RUNX1):c.728C>T; p.Pro243Leu; c.728C>T (NM_001754.4); c.647C>T, p.Pro216Leu (NM_001001890.3, NM_001122607.2); short protein forms P216L, P243L.
Identifiers: ClinVar variation 1369516 (VCV001369516.8), dbSNP rs772889171, ClinGen allele CA10014366.

ClinVar aggregate classification (germline): Uncertain significance. Review status: reviewed by expert panel (3 of 4 stars). 4 submissions from 4 submitters: Uncertain significance (1). 3 of the submissions do not count toward it. Last evaluated 2024-10-29.

Conditions:
Hereditary thrombocytopenia and hematologic cancer predisposition syndrome. Identifiers: Orphanet 71290, MedGen CN281654, MONDO:0011071.
Inborn genetic diseases. Identifiers: MedGen C0950123, MeSH D030342.
Hereditary thrombocytopenia and hematological cancer predisposition syndrome associated with RUNX1. Also called: Familial Platelet Disorder with Propensity to Acute Myelogenous Leukemia; Familial thrombocytopenia with propensity to acute myelogenous leukemia; PLATELET DISORDER, ASPIRIN-LIKE; RUNX1 Familial Platelet Disorder with Associated Myeloid Malignancies. Identifiers: Orphanet 71290, MedGen C1832388, MeSH C563324, MONDO:0100083, OMIM 601399.

Allele frequency attached by ClinVar (database versions not stated): gnomAD exomes below 0.00001; TOPMed below 0.00001; ExAC 0.00001.
gnomAD v4.1: 2 of 1,613,406 alleles (0.00012%); highest among the groups gnomAD compares: Non-Finnish European, 0.00017%; no homozygotes.

Submissions (4):

ClinGen Myeloid Malignancy Variant Curation Expert Panel
Classification: Uncertain significance for Hereditary thrombocytopenia and hematologic cancer predisposition syndrome. Last evaluated: 2024-10-29. Review status: reviewed by expert panel. Criteria: ClinGen MyeloMalig ACMG Specifications v2. Collection method: curation. Allele origin: germline. Inheritance: Autosomal dominant inheritance.
Comment: NM_001754.5(RUNX1):c.728C>T (p.Pro243Leu) is a missense variant which has a REVEL score of 0.439, which is less than 0.50, and a SpliceAI score of ≤ 0.20 (BP4). In summary, the clinical significance of this variant is uncertain. ACMG/AMP criteria applied, as specified by the Myeloid Malignancy Variant Curation Expert Panel for RUNX1: BP4.

Ambry Genetics
Classification: Uncertain significance for Inborn genetic diseases. Last evaluated: 2025-01-30. Review status: criteria provided, single submitter. Criteria: Ambry Variant Classification Scheme 2023. Collection method: clinical testing. Allele origin: germline. Not counted in ClinVar's aggregate classification.
Comment: The p.P243L variant (also known as c.728C>T), located in coding exon 6 of the RUNX1 gene, results from a C to T substitution at nucleotide position 728. The proline at codon 243 is replaced by leucine, an amino acid with similar properties. This amino acid position is highly conserved in available vertebrate species. In addition, the in silico prediction for this alteration is inconclusive. Based on the available evidence, the clinical significance of this variant remains unclear.

GeneDx
Classification: Uncertain significance. Last evaluated: 2024-08-13. Review status: criteria provided, single submitter. Criteria: GeneDx Variant Classification Process June 2021. Collection method: clinical testing. Allele origin: germline. Affected: yes. Not counted in ClinVar's aggregate classification.
Comment: Not observed at significant frequency in large population cohorts (gnomAD); In silico analysis indicates that this missense variant does not alter protein structure/function; Has not been previously published as pathogenic or benign to our knowledge

Labcorp Genetics (formerly Invitae), Labcorp
Classification: Uncertain significance for Hereditary thrombocytopenia and hematological cancer predisposition syndrome associated with RUNX1. Last evaluated: 2021-12-08. Review status: criteria provided, single submitter. Criteria: Invitae Variant Classification Sherloc (09022015). Collection method: clinical testing. Allele origin: germline. Not counted in ClinVar's aggregate classification.
Comment: This variant is present in population databases (rs772889171, gnomAD 0.0009%). In summary, the available evidence is currently insufficient to determine the role of this variant in disease. Therefore, it has been classified as a Variant of Uncertain Significance. Algorithms developed to predict the effect of missense changes on protein structure and function are either unavailable or do not agree on the potential impact of this missense change (SIFT: "Deleterious"; PolyPhen-2: "Benign"; Align-GVGD: "Class C0"). This variant has not been reported in the literature in individuals affected with RUNX1-related conditions. This sequence change replaces proline, which is neutral and non-polar, with leucine, which is neutral and non-polar, at codon 243 of the RUNX1 protein (p.Pro243Leu).